The following is an entry in ClinVar:

NM_000539.3(RHO):c.392T>G (p.Leu131Arg)

Gene: RHO (rhodopsin; plus strand). Cytogenetic location: 3q22.1.
Variant type: single nucleotide variant.
Coding change: c.392T>G on transcript NM_000539.3 (MANE Select); coding-DNA position 392, T replaced by G.
Protein change: p.Leu131Arg; replaces leucine 131 with arginine.
Molecular consequence: missense variant.
Genome position (GRCh38, 1-based): chr3:129,530,906, T>G. VCF-style: chr3-129530906-T-G. GRCh37 (hg19) VCF-style: chr3-129249749-T-G.
Other names: short protein forms L131R.
Identifiers: ClinVar variation 2026197 (VCV002026197.4), dbSNP rs1553781140, ClinGen allele CA354497996.
Genomic context (GRCh38, chr3:129,530,906, plus strand): 5'-TGTGCTGACCGCCTGCTGACTGCCTTGCAGGTGAAATTGCCCTGTGGTCCTTGGTGGTCC[T>G]GGCCATCGAGCGGTACGTGGTGGTGTGTAAGCCCATGAGCAACTTCCGCTTCGGGGAGAA-3'
Protein context (NP_000530.1, residues 121-141): GEIALWSLVV[Leu131Arg]AIERYVVVCK

ClinVar aggregate classification (germline): Likely pathogenic (1 of 4 stars; one submission).

Submission:

Labcorp Genetics (formerly Invitae), Labcorp
Classification: Likely pathogenic. Last evaluated: 2024-09-16. Review status: criteria provided, single submitter. Criteria: Invitae Variant Classification Sherloc (09022015). Collection method: clinical testing. Allele origin: germline.
Comment: This sequence change replaces leucine, which is neutral and non-polar, with arginine, which is basic and polar, at codon 131 of the RHO protein (p.Leu131Arg). This variant is not present in population databases (gnomAD no frequency). This missense change has been observed in individual(s) with autosomal dominant retinitis pigmentosa (internal data). ClinVar contains an entry for this variant (Variation ID: 2026197). Invitae Evidence Modeling of protein sequence and biophysical properties (such as structural, functional, and spatial information, amino acid conservation, physicochemical variation, residue mobility, and thermodynamic stability) indicates that this missense variant is expected to disrupt RHO protein function with a positive predictive value of 80%. This variant disrupts the p.Leu131 amino acid residue in RHO. Other variant(s) that disrupt this residue have been determined to be pathogenic (PMID: 20164459, 30977563). This suggests that this residue is clinically significant, and that variants that disrupt this residue are likely to be disease-causing. In summary, the currently available evidence indicates that the variant is pathogenic, but additional data are needed to prove that conclusively. Therefore, this variant has been classified as Likely Pathogenic.

Literature cited by the submitters: PubMed 20164459; PubMed 30977563.